The following is an entry in ClinVar:

ClinVar aggregate classification (germline): Uncertain significance. Review status: criteria provided, multiple submitters, no conflicts (2 of 4 stars). 3 submissions from 3 submitters: Uncertain significance (3). Last evaluated 2025-11-03.

Conditions:
Hereditary cancer-predisposing syndrome. Also called: Hereditary neoplastic syndrome; Neoplastic Syndromes, Hereditary; Hereditary Cancer Syndrome; Tumor predisposition. Identifiers: Orphanet 140162, MedGen C0027672, MeSH D009386, MONDO:0015356.
Ataxia-telangiectasia syndrome (AT). Also called: Ataxia-telangiectasia, complementation group D; AT, COMPLEMENTATION GROUP C; Cerebello-oculocutaneous telangiectasia; Immunodeficiency with ataxia telangiectasia; LOUIS-BAR SYNDROME; Ataxia telangiectasia (A-T). Identifiers: Orphanet 100, MedGen C0004135, MONDO:0008840, OMIM 208900.

Allele frequency attached by ClinVar (database versions not stated): TOPMed below 0.00001; gnomAD 0.00001.
gnomAD v4.1: 1 of 1,613,828 alleles (0.000062%); highest among the groups gnomAD compares: Non-Finnish European, 0.000085%; no homozygotes.

Submissions (3):

Ambry Genetics
Classification: Uncertain significance for Hereditary cancer-predisposing syndrome. Last evaluated: 2025-11-03. Review status: criteria provided, single submitter. Criteria: Ambry Variant Classification Scheme 2023. Collection method: clinical testing. Allele origin: germline.
Comment: The p.P534L variant (also known as c.1601C>T), located in coding exon 9 of the ATM gene, results from a C to T substitution at nucleotide position 1601. The proline at codon 534 is replaced by leucine, an amino acid with similar properties. This amino acid position is highly conserved in available vertebrate species. In addition, this alteration is predicted to be deleterious by in silico analysis. Based on the available evidence, the clinical significance of this variant remains unclear.

Labcorp Genetics (formerly Invitae), Labcorp
Classification: Uncertain significance for Ataxia-telangiectasia syndrome. Last evaluated: 2025-05-19. Review status: criteria provided, single submitter. Criteria: Invitae Variant Classification Sherloc (09022015). Collection method: clinical testing. Allele origin: germline.
Comment: This sequence change replaces proline, which is neutral and non-polar, with leucine, which is neutral and non-polar, at codon 534 of the ATM protein (p.Pro534Leu). This variant is not present in population databases (gnomAD no frequency). This variant has not been reported in the literature in individuals affected with ATM-related conditions. ClinVar contains an entry for this variant (Variation ID: 570049). Invitae Evidence Modeling of protein sequence and biophysical properties (such as structural, functional, and spatial information, amino acid conservation, physicochemical variation, residue mobility, and thermodynamic stability) indicates that this missense variant is not expected to disrupt ATM protein function with a negative predictive value of 95%. In summary, the available evidence is currently insufficient to determine the role of this variant in disease. Therefore, it has been classified as a Variant of Uncertain Significance.

Blueprint Genetics
Classification: Uncertain significance. Last evaluated: 2021-03-02. Review status: criteria provided, single submitter. Criteria: ACMG Guidelines, 2015. Collection method: clinical testing. Allele origin: germline.

NM_000051.4(ATM):c.1601C>T (p.Pro534Leu)

Gene: ATM (ATM serine/threonine kinase; plus strand). Cytogenetic location: 11q22.3.
Variant type: single nucleotide variant.
Coding change: c.1601C>T on transcript NM_000051.4 (MANE Select); coding-DNA position 1601, C replaced by T.
Protein change: p.Pro534Leu; replaces proline 534 with leucine.
Molecular consequence: missense variant.
Genome position (GRCh38, 1-based): chr11:108,251,066, C>T. VCF-style: chr11-108251066-C-T. GRCh37 (hg19) VCF-style: chr11-108121793-C-T.
Other names: c.1601C>T, p.Pro534Leu (NM_001351834.2); short protein forms P534L.
Identifiers: ClinVar variation 570049 (VCV000570049.18), dbSNP rs587782212, ClinGen allele CA382534445.
Genomic context (GRCh38, chr11:108,251,066, plus strand): 5'-GTAGTTTAGTTGAGGTTGACAGAGAATTCTGGAAGTTATTTACTGGGTCAGCCTGCAGAC[C>T]TTCATGGTAAGTTCAGCATGCATTATGTCTGACTTACAGATAAACACACACAGACACACA-3'
Protein context (NP_000042.3, residues 524-544): WKLFTGSACR[Pro534Leu]SCPAVCCLTL